The following is an entry in ClinVar:

ClinVar aggregate classification (germline): Uncertain significance (1 of 4 stars; one submission).

Conditions:
Psoriasis 2. Identifiers: MedGen C1864497, MONDO:0011269, OMIM 602723.
Pityriasis rubra pilaris (PRP). Also called: Pityriasis rubra pilaris--familial type. Identifiers: Orphanet 2897, MedGen C0032027, MONDO:0100017, OMIM 173200, MONDO:0008251.

Allele frequency attached by ClinVar (database versions not stated): gnomAD exomes below 0.00001.
gnomAD v4.1: 1 of 1,614,022 alleles (0.000062%); highest among the groups gnomAD compares: Non-Finnish European, 0.000085%; no homozygotes.

Submission:

Labcorp Genetics (formerly Invitae), Labcorp
Classification: Uncertain significance for Pityriasis rubra pilaris; Psoriasis 2. Last evaluated: 2022-12-07. Review status: criteria provided, single submitter. Criteria: Invitae Variant Classification Sherloc (09022015). Collection method: clinical testing. Allele origin: germline.
Comment: In summary, the available evidence is currently insufficient to determine the role of this variant in disease. Therefore, it has been classified as a Variant of Uncertain Significance. Advanced modeling of protein sequence and biophysical properties (such as structural, functional, and spatial information, amino acid conservation, physicochemical variation, residue mobility, and thermodynamic stability) performed at Invitae indicates that this missense variant is not expected to disrupt CARD14 protein function. This variant is not present in population databases (gnomAD no frequency). This variant has not been reported in the literature in individuals affected with CARD14-related conditions. This sequence change replaces alanine, which is neutral and non-polar, with glycine, which is neutral and non-polar, at codon 352 of the CARD14 protein (p.Ala352Gly).

NM_001366385.1(CARD14):c.1055C>G (p.Ala352Gly)

Gene: CARD14 (caspase recruitment domain family member 14; plus strand). Cytogenetic location: 17q25.3.
Variant type: single nucleotide variant.
Coding change: c.1055C>G on transcript NM_001366385.1 (MANE Select); coding-DNA position 1055, C replaced by G.
Protein change: p.Ala352Gly; replaces alanine 352 with glycine.
Molecular consequence: missense variant. On other transcripts: non-coding transcript variant (1).
Genome position (GRCh38, 1-based): chr17:80,190,865, C>G. VCF-style: chr17-80190865-C-G. GRCh37 (hg19) VCF-style: chr17-78164664-C-G.
Other names: c.1055C>G, p.Ala352Gly (NM_001257970.1, NM_024110.4); c.344C>G, p.Ala115Gly (NM_052819.3); short protein forms A115G, A352G.
Identifiers: ClinVar variation 2942114 (VCV002942114.3), dbSNP rs2510637894, ClinGen allele CA401345190.
Genomic context (GRCh38, chr17:80,190,865, plus strand): 5'-AGTTCCAGAAGAGTAAGATGGCCTGCCAACTCTACAGGGAGAAGGTGAATGCGCTGCAGG[C>G]CCAGGTGTGCGAGCTGCAGAAGGAGCGAGACCAGGTACCTGAGAGGCCGGGCCCACCCCG-3'
Protein context (NP_001353314.1, residues 342-362): LYREKVNALQ[Ala352Gly]QVCELQKERD